The following is an entry in ClinVar:

ClinVar aggregate classification (germline): Pathogenic (1 of 4 stars; one submission).

Submission:

CeGaT Center for Human Genetics Tuebingen
Classification: Pathogenic. Last evaluated: 2024-12-01. Review status: criteria provided, single submitter. Criteria: CeGaT Center For Human Genetics Tuebingen Variant Classification Criteria Version 2. Collection method: clinical testing. Allele origin: germline. Affected: yes. Observed: 1 variant allele.
Comment: MYH11: PVS1, PM2

NM_002474.3(MYH11):c.2283C>G (p.Tyr761Ter)

Gene: MYH11 (myosin heavy chain 11; minus strand). Cytogenetic location: 16p13.11.
Variant type: single nucleotide variant.
Coding change: c.2283C>G on transcript NM_002474.3 (MANE Select); coding-DNA position 2283, C replaced by G.
Protein change: p.Tyr761Ter; replaces tyrosine 761 with a stop codon.
Molecular consequence: nonsense.
Genome position (GRCh38, 1-based): chr16:15,747,698, G>C on the plus strand (C>G on the coding strand, the complement: MYH11 is on the minus strand). VCF-style: chr16-15747698-G-C. GRCh37 (hg19) VCF-style: chr16-15841555-G-C.
Other names: c.2304C>G, p.Tyr768Ter (NM_001040113.2, NM_001040114.2); c.2283C>G, p.Tyr761Ter (NM_022844.3); short protein forms Y761*, Y768*.
Identifiers: ClinVar variation 3772086 (VCV003772086.13).
Genomic context (GRCh38, chr16:15,747,698, plus strand): 5'-CTCCTCCTCTAGGTGGGCCAGGACGCCAGTTCGGAAGAAGATTTTGCTCTGCCCTATCCT[G>C]TATAAGTTGGGGTCAAGTTCCAGGGCTTTGATCTGCAAAAGGAAGGAAAGGAAGAGCTCC-3'